The following is an entry in ClinVar:

ClinVar aggregate classification (germline): Conflicting classifications of pathogenicity. Review status: criteria provided, conflicting classifications (1 of 4 stars). 4 submissions from 4 submitters: Uncertain significance (1); Likely benign (3). Last evaluated 2025-12-26.

Conditions:
Singleton-Merten syndrome 1 (SGMRT1). Also called: Widened medullary cavities of bone, aortic calcification, abnormal dentition, and muscular weakness; Syndrome of widened medullary cavities of the metacarpals and phalanges, aortic calcification and abnormal dentition. Identifiers: Orphanet 85191, MedGen C4225427, MONDO:0024535, OMIM 182250.
Aicardi-Goutieres syndrome 7 (AGS7). Identifiers: Orphanet 51, MedGen C3888244, MONDO:0014367, OMIM 615846.
Inborn genetic diseases. Identifiers: MedGen C0950123, MeSH D030342.
IFIH1-related disorder. Also called: IFIH1-related condition.

gnomAD v4.1: 152 of 1,612,274 alleles (0.0094%); highest among the groups gnomAD compares: Non-Finnish European, 0.012%; no homozygotes.

Submissions (4):

Labcorp Genetics (formerly Invitae), Labcorp
Classification: Likely benign for Aicardi-Goutieres syndrome 7; Singleton-Merten syndrome 1. Last evaluated: 2025-12-26. Review status: criteria provided, single submitter. Criteria: Invitae Variant Classification Sherloc (09022015). Collection method: clinical testing. Allele origin: germline.

PreventionGenetics, part of Exact Sciences
Classification: Uncertain significance for IFIH1-related condition. Last evaluated: 2025-01-02. Review status: criteria provided, single submitter. Criteria: ACMG Guidelines, 2015. Collection method: clinical testing. Allele origin: germline.
Comment: The IFIH1 c.2968G>T variant is predicted to result in the amino acid substitution p.Val990Phe. To our knowledge, this variant has not been reported in the literature. This variant is reported in 0.010% of alleles in individuals of European (Non-Finnish) descent in gnomAD. At this time, the clinical significance of this variant is uncertain due to the absence of conclusive functional and genetic evidence.

Ambry Genetics
Classification: Likely benign for Inborn genetic diseases. Last evaluated: 2022-11-07. Review status: criteria provided, single submitter. Criteria: Ambry Variant Classification Scheme 2023. Collection method: clinical testing. Allele origin: germline.

Blueprint Genetics
Classification: Likely benign. Last evaluated: 2022-07-18. Review status: criteria provided, single submitter. Criteria: ACMG Guidelines, 2015. Collection method: clinical testing. Allele origin: germline.

NM_022168.4(IFIH1):c.2968G>T (p.Val990Phe)

Gene: IFIH1 (interferon induced with helicase C domain 1; minus strand). Cytogenetic location: 2q24.2.
Variant type: single nucleotide variant.
Coding change: c.2968G>T on transcript NM_022168.4 (MANE Select); coding-DNA position 2968, G replaced by T.
Protein change: p.Val990Phe; replaces valine 990 with phenylalanine.
Molecular consequence: missense variant.
Genome position (GRCh38, 1-based): chr2:162,267,310, C>A on the plus strand (G>T on the coding strand, the complement: IFIH1 is on the minus strand). VCF-style: chr2-162267310-C-A. GRCh37 (hg19) VCF-style: chr2-163123820-C-A.
Other names: c.2968G>T (NM_022168.2, NM_022168.3); short protein forms V990F.
Identifiers: ClinVar variation 1500334 (VCV001500334.9), dbSNP rs766879801, ClinGen allele CA1934005.